The following is an entry in ClinVar:

NM_173354.5(SIK1):c.849C>G (p.Cys283Trp)

Gene: SIK1 (salt inducible kinase 1; minus strand). Cytogenetic location: 21q22.3.
Variant type: single nucleotide variant.
Coding change: c.849C>G on transcript NM_173354.5 (MANE Select); coding-DNA position 849, C replaced by G.
Protein change: p.Cys283Trp; replaces cysteine 283 with tryptophan.
Molecular consequence: missense variant.
Genome position (GRCh38, 1-based): chr21:43,420,357, G>C on the plus strand (C>G on the coding strand, the complement: SIK1 is on the minus strand). VCF-style: chr21-43420357-G-C. GRCh37 (hg19) VCF-style: chr21-44840237-G-C.
Other names: short protein forms C283W.
Identifiers: ClinVar variation 960345 (VCV000960345.10), dbSNP rs528484611, ClinGen allele CA321326892.
Genomic context (GRCh38, chr21:43,420,357, plus strand): 5'-GTCGCCCAGGTTGGAGGTGTAGCTGTGTGCGGAGAAGGCGGGGCAGGCGGGTCCCGGCAA[G>C]CAGGGCTCAGCCCGCATCCACCGGTGCTGCCGGATCTGGGCGATGGTGATGCGCCTGGCG-3'
Protein context (NP_775490.2, residues 273-293): RQHRWMRAEP[Cys283Trp]LPGPACPAFS

ClinVar aggregate classification (germline): Uncertain significance (1 of 4 stars; one submission).

Conditions:
Developmental and epileptic encephalopathy, 30 (DEE30). Also called: Epileptic encephalopathy, early infantile, 30. Identifiers: MedGen C4225360, MONDO:0014595, OMIM 616341.

Allele frequency attached by ClinVar (database versions not stated): 1000 Genomes Project 0.00020.

Submission:

Labcorp Genetics (formerly Invitae), Labcorp
Classification: Uncertain significance for Developmental and epileptic encephalopathy, 30. Last evaluated: 2023-12-02. Review status: criteria provided, single submitter. Criteria: Invitae Variant Classification Sherloc (09022015). Collection method: clinical testing. Allele origin: germline.
Comment: This sequence change replaces cysteine, which is neutral and slightly polar, with tryptophan, which is neutral and slightly polar, at codon 283 of the SIK1 protein (p.Cys283Trp). This variant is not present in population databases (gnomAD no frequency). This variant has not been reported in the literature in individuals affected with SIK1-related conditions. ClinVar contains an entry for this variant (Variation ID: 960345). Advanced modeling of protein sequence and biophysical properties (such as structural, functional, and spatial information, amino acid conservation, physicochemical variation, residue mobility, and thermodynamic stability) performed at Invitae indicates that this missense variant is not expected to disrupt SIK1 protein function with a negative predictive value of 95%. In summary, the available evidence is currently insufficient to determine the role of this variant in disease. Therefore, it has been classified as a Variant of Uncertain Significance.